The following is an entry in ClinVar:

NM_001267550.2(TTN):c.67280G>A (p.Arg22427Gln)

Genes: TTN (titin; minus strand), TTN-AS1 (TTN antisense RNA 1; plus strand). Cytogenetic location: 2q31.2.
Variant type: single nucleotide variant.
Coding change: c.67280G>A on transcript NM_001267550.2 (MANE Select); coding-DNA position 67280, G replaced by A.
Protein change: p.Arg22427Gln; replaces arginine 22427 with glutamine.
Molecular consequence: missense variant.
Genome position (GRCh38, 1-based): chr2:178,580,007, C>T on the plus strand (G>A on the coding strand, the complement: TTN is on the minus strand). VCF-style: chr2-178580007-C-T. GRCh37 (hg19) VCF-style: chr2-179444734-C-T.
Other names: c.62357G>A, p.Arg20786Gln (NM_001256850.1); c.40085G>A, p.Arg13362Gln (NM_003319.4); c.59576G>A, p.Arg19859Gln (NM_133378.4); c.40460G>A, p.Arg13487Gln (NM_133432.3); c.40661G>A, p.Arg13554Gln (NM_133437.4); short protein forms R19859Q, R22427Q, R13362Q, R20786Q, R13487Q, R13554Q.
Identifiers: ClinVar variation 191915 (VCV000191915.8), dbSNP rs770566210, ClinGen allele CA237858.

ClinVar aggregate classification (germline): Conflicting classifications of pathogenicity. Review status: criteria provided, conflicting classifications (1 of 4 stars). 4 submissions from 4 submitters: Uncertain significance (3); Likely benign (1). Last evaluated 2023-11-13.

Allele frequency attached by ClinVar (database versions not stated): gnomAD 0.00001; gnomAD exomes 0.00001; TOPMed 0.00002.
gnomAD v4.1: 17 of 1,613,192 alleles (0.0011%); highest among the groups gnomAD compares: African/African-American, 0.004%; no homozygotes.

Submissions (4):

Blueprint Genetics
Classification: Uncertain significance. Last evaluated: 2023-11-13. Review status: criteria provided, single submitter. Criteria: ACMG Guidelines, 2015. Collection method: clinical testing. Allele origin: germline.

Revvity Omics, Revvity
Classification: Uncertain significance. Last evaluated: 2021-12-08. Review status: criteria provided, single submitter. Criteria: ACMG Guidelines, 2015. Collection method: clinical testing. Allele origin: germline.

GeneDx
Classification: Likely benign. Last evaluated: 2020-03-05. Review status: criteria provided, single submitter. Criteria: GeneDx Variant Classification Process June 2021. Collection method: clinical testing. Allele origin: germline. Affected: yes.
Comment: This variant is associated with the following publications: (PMID: 23861362)

Biesecker Lab/Clinical Genomics Section, National Institutes of Health
Classification: Uncertain significance. Last evaluated: 2013-06-24. Review status: criteria provided, single submitter. Criteria: Ng et al. (Circ Cardiovasc Genet. 2013). Collection method: research. Allele origin: unknown. Observed: 1 variant allele. Study: ClinSeq.
Comment: The study set was not selected for affection status in relation to any cancer. Pathogenicity categories were based on literature curation. See Pubmed ID:23861362 for details.

Medical sequencing